The following is an entry in ClinVar:

NM_000157.4(GBA1):c.776A>G (p.Tyr259Cys)

Genes: GBA1 (glucosylceramidase beta 1; minus strand), LOC106627981 (GBA recombination region; plus strand). Cytogenetic location: 1q22.
Variant type: single nucleotide variant.
Coding change: c.776A>G on transcript NM_000157.4 (MANE Select); coding-DNA position 776, A replaced by G.
Protein change: p.Tyr259Cys; replaces tyrosine 259 with cysteine.
Molecular consequence: missense variant.
Genome position (GRCh38, 1-based): chr1:155,237,564, T>C on the plus strand (A>G on the coding strand, the complement: GBA1 is on the minus strand). VCF-style: chr1-155237564-T-C. GRCh37 (hg19) VCF-style: chr1-155207355-T-C.
Other names: NP_000148.2:p.(Y259C); c.776A>G, p.Tyr259Cys (NM_001005741.3, NM_001005742.3); c.515A>G, p.Tyr172Cys (NM_001171811.2); c.629A>G, p.Tyr210Cys (NM_001171812.2); c.776A>G (NM_000157.3); short protein forms Y172C, Y210C, Y259C.
Identifiers: ClinVar variation 2581565 (VCV002581565.2), dbSNP rs749014188, ClinGen allele CA342720858.

ClinVar aggregate classification (germline): Likely pathogenic. Review status: criteria provided, multiple submitters, no conflicts (2 of 4 stars). 3 submissions from 3 submitters: Likely pathogenic (2). 1 of the submissions does not count toward it. Last evaluated 2025-05-09.

Conditions:
Gaucher disease type I (GD1). Also called: GAUCHER DISEASE, NONCEREBRAL JUVENILE; GBA DEFICIENCY; GD I; GLUCOCEREBROSIDASE DEFICIENCY; ACID BETA-GLUCOSIDASE DEFICIENCY; Type 1 Gaucher Disease. Identifiers: Orphanet 355, Orphanet 77259, MedGen C1961835, MONDO:0009265, OMIM 230800.
Gaucher disease. Also called: Acute cerebral Gaucher disease; Cerebroside lipidosis syndrome; Gaucher splenomegaly; Sphingolipidosis 1; Glucocerebrosidosis; Glucosylceramidase deficiency. Identifiers: Orphanet 355, MedGen C0017205, MONDO:0018150.

gnomAD v4.1: 5 of 1,613,704 alleles (0.00031%); highest among the groups gnomAD compares: Non-Finnish European, 0.00042%; no homozygotes.

Submissions (3):

Natera, Inc.
Classification: Likely pathogenic for Gaucher disease. Last evaluated: 2025-05-09. Review status: criteria provided, single submitter. Criteria: Natera Variant Classification Schema (03/2026). Collection method: clinical testing. Allele origin: germline.
Comment: The c.776A>G variant in GBA1 is a missense variant predicted to cause substitution of tyrosine to cysteine at amino acid 259. This variant is rare in the general population with a frequency below the threshold expected for the associated phenotype(s). This variant has been observed in one or more individuals affected with the associated recessive disease, as either homozygous or compound heterozygous with a second variant (PMID: 34649574, 30764785, 17059888). Computational prediction algorithms indicate this variant is likely to affect gene or protein function. Given the available evidence, this variant is classified as Likely Pathogenic.

Women's Health and Genetics/Laboratory Corporation of America, LabCorp
Classification: Likely pathogenic for Gaucher disease. Last evaluated: 2023-08-08. Review status: criteria provided, single submitter. Criteria: LabCorp Variant Classification Summary - May 2015. Collection method: clinical testing. Allele origin: germline.
Comment: Variant summary: GBA c.776A>G (p.Tyr259Cys, aka Y220C) results in a non-conservative amino acid change located in the TIM-barrel domain (IPR033453) of the encoded protein sequence. Five of five in-silico tools predict a damaging effect of the variant on protein function. The variant was absent in 250282 control chromosomes (gnomAD). c.776A>G has been reported in the literature in multiple compound heterozygous individuals, and in at least one homozygous patient, affected with Gaucher Disease (e.g. Rozenberg_2006, Kang_2018, D'Amore_2021, Sheth_2019), in most cases the diagnosis was confirmed by deficient GBA activity. In addition, the variant has been also reported in heterozygous state in patients affected with Parkinson disease (e.g. Zhao_2020, Zhao_2021, Straniero_2022). These data indicate that the variant is likely to be associated with disease. To our knowledge, no experimental evidence demonstrating an impact on protein function has been reported. The following publications have been ascertained in the context of this evaluation (PMID: 17059888, 29685539, 34649574, 30764785, 32613234, 34867278, 35262230). No submitters have cited clinical-significance assessments for this variant to ClinVar after 2014. Based on the evidence outlined above, the variant was classified as likely pathogenic.

Laboratório Nacional de Células Tronco Embrionárias, Instituto de Biociencias - Universidade de Sao Paulo
Classification: Likely pathogenic for Gaucher disease type I. Last evaluated: 2025-06-24. Review status: no assertion criteria provided. Collection method: research. Allele origin: inherited. Inheritance: Autosomal recessive inheritance. Affected: yes. Observed: 4 variant alleles. Not counted in ClinVar's aggregate classification.
Comment: This is the only variant detected at the GBA locus in this allele in compound heterozigosity (in trans) with a previously described variant of Gaucher disease - genotype N409S/Y259C. Mutation detected and described in Gaucher disease patients (n=3) in Rozenberg et al., 2006 (doi:10.1016/j.bcmd.2006.09.004), Kang et al., 2018 (doi:10.1016/j.ejrad.2018.02.014), Sheth et al., 2019 (doi:10.1186/s12881-019-0759-1), and in Parkinson's disease patients (n=1) in Zhao et al., 2020 (doi:10.1093/brain/awaa167). Based on these data and established disease mechanisms for GBA1, we classified it as likely pathogenic.

Literature cited by the submitters: PubMed 34649574 (cited by Natera, Inc. and Women's Health and Genetics/Laboratory Corporation of America, LabCorp); PubMed 30764785 (cited by Natera, Inc. and Women's Health and Genetics/Laboratory Corporation of America, LabCorp); PubMed 17059888 (cited by Natera, Inc. and Women's Health and Genetics/Laboratory Corporation of America, LabCorp); PubMed 34867278 (cited by Women's Health and Genetics/Laboratory Corporation of America, LabCorp); PubMed 29685539 (cited by Women's Health and Genetics/Laboratory Corporation of America, LabCorp); PubMed 35262230 (cited by Women's Health and Genetics/Laboratory Corporation of America, LabCorp); PubMed 32613234 (cited by Women's Health and Genetics/Laboratory Corporation of America, LabCorp); DOI 10.1016/j.bcmd.2006.09.004 (cited by Laboratório Nacional de Células Tronco Embrionárias, Instituto de Biociencias - Universidade de Sao Paulo); DOI 10.1016/j.ejrad.2018.02.014 (cited by Laboratório Nacional de Células Tronco Embrionárias, Instituto de Biociencias - Universidade de Sao Paulo); DOI 10.1186/s12881-019-0759-1 (cited by Laboratório Nacional de Células Tronco Embrionárias, Instituto de Biociencias - Universidade de Sao Paulo); DOI 10.1093/brain/awaa167 (cited by Laboratório Nacional de Células Tronco Embrionárias, Instituto de Biociencias - Universidade de Sao Paulo).